The following is an entry in ClinVar:

ClinVar aggregate classification (germline): Likely benign. Review status: criteria provided, multiple submitters, no conflicts (2 of 4 stars). 3 submissions from 3 submitters: Likely benign (2). 1 of the submissions does not count toward it. Last evaluated 2024-12-03.

Conditions:
Postaxial polydactyly-anterior pituitary anomalies-facial dysmorphism syndrome. Also called: Culler-Jones syndrome. Identifiers: Orphanet 420584, MedGen C4014479, MONDO:0014369, OMIM 615849.
Holoprosencephaly 9 (HPE9). Also called: PITUITARY ANOMALIES WITH HOLOPROSENCEPHALY-LIKE FEATURES; HOLOPROSENCEPHALY WITH MICROPHTHALMIA AND FIRST BRANCHIAL ARCH ANOMALIES. Identifiers: Orphanet 2162, MedGen C1835819, MONDO:0012563, OMIM 610829.
GLI2-related disorder. Also called: GLI2-related condition; GLI2-related disorders.

Allele frequency attached by ClinVar (database versions not stated): ExAC 0.00002; TOPMed 0.00006; gnomAD 0.00008.
gnomAD v4.1: 52 of 1,613,740 alleles (0.0032%); highest among the groups gnomAD compares: Middle Eastern, 0.016%; no homozygotes.

Submissions (3):

Women's Health and Genetics/Laboratory Corporation of America, LabCorp
Classification: Likely benign. Last evaluated: 2024-12-03. Review status: criteria provided, single submitter. Criteria: LabCorp Variant Classification Summary - May 2015. Collection method: clinical testing. Allele origin: germline.
Comment: Variant summary: GLI2 c.4566G>A alters a non-conserved nucleotide resulting in a synonymous change. Consensus agreement among computation tools predict no significant impact on normal splicing. However, these predictions have yet to be confirmed by functional studies. The variant allele was found at a frequency of 5.2e-05 in 251158 control chromosomes. This frequency is not significantly higher than estimated for a pathogenic variant in GLI2 causing GLI2-Related Disorders, allowing no conclusion about variant significance. To our knowledge, no occurrence of c.4566G>A in individuals affected with GLI2-Related Disorders and no experimental evidence demonstrating its impact on protein function have been reported. ClinVar contains an entry for this variant (Variation ID: 2923712). Based on the evidence outlined above, the variant was classified as likely benign.

Labcorp Genetics (formerly Invitae), Labcorp
Classification: Likely benign for Postaxial polydactyly-anterior pituitary anomalies-facial dysmorphism syndrome; Holoprosencephaly 9. Last evaluated: 2023-11-13. Review status: criteria provided, single submitter. Criteria: Invitae Variant Classification Sherloc (09022015). Collection method: clinical testing. Allele origin: germline.

PreventionGenetics, part of Exact Sciences
Classification: Likely benign for GLI2-related condition. Last evaluated: 2020-07-15. Review status: no assertion criteria provided. Collection method: clinical testing. Allele origin: germline. Not counted in ClinVar's aggregate classification.
Comment: This variant is classified as likely benign based on ACMG/AMP sequence variant interpretation guidelines (Richards et al. 2015 PMID: 25741868, with internal and published modifications).

NM_001374353.1(GLI2):c.4515G>A (p.Ser1505=)

Gene: GLI2 (GLI family zinc finger 2; plus strand). Cytogenetic location: 2q14.2.
Variant type: single nucleotide variant.
Coding change: c.4515G>A on transcript NM_001374353.1 (MANE Select); coding-DNA position 4515, G replaced by A.
Protein change: p.Ser1505=; no amino-acid change (serine 1505 retained).
Molecular consequence: synonymous variant.
Genome position (GRCh38, 1-based): chr2:120,990,480, G>A. VCF-style: chr2-120990480-G-A. GRCh37 (hg19) VCF-style: chr2-121748056-G-A.
Other names: c.4566G>A (NM_005270.4); c.4566G>A, p.Ser1522= (NM_001371271.1, NM_005270.5); c.4140G>A, p.Ser1380= (NM_001374354.1).
Identifiers: ClinVar variation 2923712 (VCV002923712.6), dbSNP rs752023992, ClinGen allele CA1852658.